The following is an entry in ClinVar:

NM_016630.7(SPG21):c.452+2T>C

Gene: SPG21 (SPG21 abhydrolase domain containing, maspardin; minus strand). Cytogenetic location: 15q22.31.
Variant type: single nucleotide variant.
Coding change: c.452+2T>C on transcript NM_016630.7 (MANE Select); the canonical splice donor site of the intron after coding-DNA position 452, T replaced by C.
Molecular consequence: splice donor variant.
Genome position (GRCh38, 1-based): chr15:64,974,600, A>G on the plus strand (T>C on the coding strand, the complement: SPG21 is on the minus strand). VCF-style: chr15-64974600-A-G. GRCh37 (hg19) VCF-style: chr15-65266938-A-G.
Other names: c.371+2T>C (NM_001127890.5); c.452+2T>C (NM_001127889.5).
Identifiers: ClinVar variation 837857 (VCV000837857.14), dbSNP rs755390093, ClinGen allele CA7612962.
Genomic context (GRCh38, chr15:64,974,600, plus strand): 5'-AAACACTCAAAAGCCAACATTTTCAAAATTTCACTGAACAAAAAAAGTAATTTTGTTCTT[A>G]CCTGTTTGCAGTCCAAGTTTGGTTGAAGATAGAGGTGTCACTGAAGGAATTGCAGAGGAT-3'

ClinVar aggregate classification (germline): Likely pathogenic. Review status: criteria provided, multiple submitters, no conflicts (2 of 4 stars). 6 submissions from 6 submitters: Likely pathogenic (5). 1 of the submissions does not count toward it. Last evaluated 2026-07-24.

Conditions:
SPG21-related disorder. Also called: SPG21-related condition.
Hereditary spastic paraplegia. Also called: Familial spastic paraparesis. Identifiers: Orphanet 685, MedGen C0037773, MONDO:0019064. Disease mechanism: loss of function.
Mast syndrome. Also called: SPASTIC PARAPLEGIA 21, AUTOSOMAL RECESSIVE. Identifiers: Orphanet 101001, MedGen C1855346, MONDO:0009568, OMIM 248900.

Allele frequency attached by ClinVar (database versions not stated): gnomAD 0.00004; ExAC 0.00006; TOPMed 0.00007; gnomAD exomes 0.00008 and 0.00014.
gnomAD v4.1: 200 of 1,614,066 alleles (0.012%); highest among the groups gnomAD compares: Middle Eastern, 0.016%; no homozygotes.

Submissions (7):

GeneDx
Classification: Likely pathogenic. Last evaluated: 2026-07-24. Review status: criteria provided, single submitter. Criteria: GeneDx Variant Classification Process June 2021. Collection method: clinical testing. Allele origin: germline.
Comment: Canonical splice site variant predicted to result in a null allele in a gene for which loss of function is a known mechanism of disease; Not observed at significant frequency in large population cohorts (gnomAD); Has not been previously published as pathogenic or benign to our knowledge

Labcorp Genetics (formerly Invitae), Labcorp
Classification: Likely pathogenic for Mast syndrome. Last evaluated: 2025-11-03. Review status: criteria provided, single submitter. Criteria: Invitae Variant Classification Sherloc (09022015). Collection method: clinical testing. Allele origin: germline.
Comment: This sequence change affects a donor splice site in intron 5 of the SPG21 gene. It is expected to disrupt RNA splicing. Variants that disrupt the donor or acceptor splice site typically lead to a loss of protein function (PMID: 16199547), and loss-of-function variants in SPG21 are known to be pathogenic (PMID: 14564668). This variant is present in population databases (rs755390093, gnomAD 0.01%). This variant has not been reported in the literature in individuals affected with SPG21-related conditions. ClinVar contains an entry for this variant (Variation ID: 837857). Algorithms developed to predict the effect of sequence changes on RNA splicing suggest that this variant may disrupt the consensus splice site. In summary, the currently available evidence indicates that the variant is pathogenic, but additional data are needed to prove that conclusively. Therefore, this variant has been classified as Likely Pathogenic.

Fulgent Genetics
Classification: Likely pathogenic for Mast syndrome. Last evaluated: 2024-06-17. Review status: criteria provided, single submitter. Criteria: ACMG Guidelines, 2015. Collection method: clinical testing. Allele origin: germline.

Department of Pathology and Laboratory Medicine, Sinai Health System
Classification: Likely pathogenic for mast syndrome. Last evaluated: 2023-01-16. Review status: criteria provided, single submitter. Criteria: ACMG Guidelines, 2015. Collection method: research. Allele origin: germline.

Genome Diagnostics Laboratory, The Hospital for Sick Children
Classification: Likely pathogenic for Hereditary spastic paraplegia. Last evaluated: 2020-12-08. Review status: criteria provided, single submitter. Criteria: ACMG Guidelines, 2015. Collection method: clinical testing. Allele origin: germline. Affected: yes.

PreventionGenetics, part of Exact Sciences
Classification: Likely pathogenic for SPG21-related condition. Last evaluated: 2024-09-07. Review status: no assertion criteria provided. Collection method: clinical testing. Allele origin: germline. Not counted in ClinVar's aggregate classification.
Comment: The SPG21 c.452+2T>C variant is predicted to disrupt the GT donor site and interfere with normal splicing. To our knowledge, this variant has not been reported in the literature. This variant is reported in 0.015% of alleles in individuals of European (Non-Finnish) descent in gnomAD. Variants that disrupt the consensus splice donor site in SPG21 are expected to be pathogenic. This variant is interpreted as likely pathogenic.

Dr. Peter K. Rogan Lab, Western University
No classification provided (evidence only). Condition: Acute myeloid leukemia. Review status: no classification provided. Collection method: in vitro. Allele origin: not applicable. Functional consequence: retained intron. Not counted in ClinVar's aggregate classification.

Literature cited by the submitters: PubMed 16199547 (cited by Labcorp Genetics (formerly Invitae), Labcorp); PubMed 14564668 (cited by Labcorp Genetics (formerly Invitae), Labcorp).